The following is an entry in ClinVar:

ClinVar aggregate classification (germline): Benign (1 of 4 stars; one submission).

Conditions:
Amyotrophic lateral sclerosis type 21. Also called: VOCAL CORD AND PHARYNGEAL DYSFUNCTION WITH DISTAL MYOPATHY; MYOPATHY, DISTAL, 2. Identifiers: Orphanet 600, Orphanet 803, MedGen C3807521, MONDO:0011632, OMIM 606070.

Allele frequency attached by ClinVar (database versions not stated): gnomAD exomes 0.00172 and 0.00279; ExAC 0.00226; TOPMed 0.00639; gnomAD 0.00669; 1000 Genomes Project 30x 0.00921; 1000 Genomes Project 0.00998.
gnomAD v4.1: 1,526 of 453,912 alleles (0.34%); highest among the groups gnomAD compares: African/African-American, 2.1%; 20 homozygotes.

Submission:

Illumina Laboratory Services, Illumina
Classification: Benign for Amyotrophic lateral sclerosis type 21. Last evaluated: 2018-01-13. Review status: criteria provided, single submitter. Criteria: ICSL Variant Classification Criteria 13 December 2019. Collection method: clinical testing. Allele origin: germline.
Comment: This variant was observed in the ICSL laboratory as part of a predisposition screen in an ostensibly healthy population. It had not been previously curated by ICSL or reported in the Human Gene Mutation Database (HGMD: prior to June 1st, 2018), and was therefore a candidate for classification through an automated scoring system. Utilizing variant allele frequency, disease prevalence and penetrance estimates, and inheritance mode, an automated score was calculated to assess if this variant is too frequent to cause the disease. Based on the score and internal cut-off values, a variant classified as benign is not then subjected to further curation. The score for this variant resulted in a classification of benign for this disease.

NM_018834.6(MATR3):c.*1482A>T

Gene: MATR3 (matrin 3; plus strand). Cytogenetic location: 5q31.2.
Variant type: single nucleotide variant.
Coding change: c.*1482A>T on transcript NM_018834.6 (MANE Select); 1482 bases downstream of the stop codon, A replaced by T.
Molecular consequence: 3 prime UTR variant.
Genome position (GRCh38, 1-based): chr5:139,330,877, A>T. VCF-style: chr5-139330877-A-T. GRCh37 (hg19) VCF-style: chr5-138666566-A-T.
Other names: c.*1482A>T (NM_001194954.2, NM_001194955.2, NM_001194956.2 and 2 more transcripts).
Identifiers: ClinVar variation 351173 (VCV000351173.5), dbSNP rs79616595, ClinGen allele CA3433613.